The following is an entry in ClinVar:

ClinVar aggregate classification (germline): Uncertain significance (1 of 4 stars; one submission).

Allele frequency attached by ClinVar (database versions not stated): gnomAD exomes below 0.00001; TOPMed below 0.00001.

Submission:

Labcorp Genetics (formerly Invitae), Labcorp
Classification: Uncertain significance. Last evaluated: 2022-06-15. Review status: criteria provided, single submitter. Criteria: Invitae Variant Classification Sherloc (09022015). Collection method: clinical testing. Allele origin: germline.
Comment: This sequence change replaces aspartic acid, which is acidic and polar, with glycine, which is neutral and non-polar, at codon 163 of the CHMP1A protein (p.Asp163Gly). In summary, the available evidence is currently insufficient to determine the role of this variant in disease. Therefore, it has been classified as a Variant of Uncertain Significance. Algorithms developed to predict the effect of missense changes on protein structure and function (SIFT, PolyPhen-2, Align-GVGD) all suggest that this variant is likely to be tolerated. This variant has not been reported in the literature in individuals affected with CHMP1A-related conditions. This variant is not present in population databases (gnomAD no frequency).

NM_002768.5(CHMP1A):c.488A>G (p.Asp163Gly)

Gene: CHMP1A (charged multivesicular body protein 1A; minus strand). Cytogenetic location: 16q24.3.
Variant type: single nucleotide variant.
Coding change: c.488A>G on transcript NM_002768.5 (MANE Select); coding-DNA position 488, A replaced by G.
Protein change: p.Asp163Gly; replaces aspartic acid 163 with glycine.
Molecular consequence: missense variant. On other transcripts: non-coding transcript variant (1), synonymous variant (1).
Genome position (GRCh38, 1-based): chr16:89,646,608, T>C on the plus strand (A>G on the coding strand, the complement: CHMP1A is on the minus strand). VCF-style: chr16-89646608-T-C. GRCh37 (hg19) VCF-style: chr16-89713016-T-C.
Other names: c.468A>G, p.Gly156= (NM_001083314.4); short protein forms D163G.
Identifiers: ClinVar variation 1936902 (VCV001936902.4), dbSNP rs1316830491, ClinGen allele CA397432165.